The following is an entry in ClinVar:

ClinVar aggregate classification (germline): Pathogenic (1 of 4 stars; one submission).

Conditions:
Cone-rod dystrophy 6 (CORD6). Also called: RETINAL CONE DYSTROPHY 2; Cone dystrophy progressive. Identifiers: Orphanet 1872, MedGen C1866293, MONDO:0011143, OMIM 601777.
Leber congenital amaurosis 1 (LCA1). Also called: AMAUROSIS CONGENITA OF LEBER I; RETINAL BLINDNESS, CONGENITAL; Congenital absence of the rods and cones; Leber's congenital tapetoretinal degeneration; Leber's congenital tapetoretinal dysplasia. Identifiers: Orphanet 65, MedGen C2931258, MONDO:0008764, OMIM 204000.

Submission:

Labcorp Genetics (formerly Invitae), Labcorp
Classification: Pathogenic for Leber congenital amaurosis 1; Cone-rod dystrophy 6. Last evaluated: 2022-06-14. Review status: criteria provided, single submitter. Criteria: Invitae Variant Classification Sherloc (09022015). Collection method: clinical testing. Allele origin: germline.
Comment: This sequence change creates a premature translational stop signal (p.Ser893Cysfs*4) in the GUCY2D gene. It is expected to result in an absent or disrupted protein product. Loss-of-function variants in GUCY2D are known to be pathogenic (PMID: 10951519, 11328726). This variant is not present in population databases (gnomAD no frequency). This variant has not been reported in the literature in individuals affected with GUCY2D-related conditions. For these reasons, this variant has been classified as Pathogenic.

Literature cited by the submitters: PubMed 10951519; PubMed 11328726.

NM_000180.4(GUCY2D):c.2678_2679del (p.Ser893fs)

Gene: GUCY2D (guanylate cyclase 2D, retinal; plus strand). Cytogenetic location: 17p13.1.
Variant type: Microsatellite.
Coding change: c.2678_2679del on transcript NM_000180.4 (MANE Select); coding-DNA positions 2678 to 2679, 2 bases deleted (CT; older notation c.2678_2679delCT).
Protein change: p.Ser893fs; shifts the reading frame from serine 893.
Molecular consequence: frameshift variant.
Genome position (GRCh38, 1-based): chr17:8,014,960-8,014,961, CT deleted; deleting any 2 consecutive bases within chr17:8,014,957-8,014,961 gives the same sequence; the c. name uses the placement nearest the transcript's 3' end. VCF-style (leftmost placement, unchanged base first): chr17-8014956-ATC-A. GRCh37 (hg19) VCF-style: chr17-7918274-ATC-A.
Other names: short protein forms S893fs.
Identifiers: ClinVar variation 1915862 (VCV001915862.5), dbSNP rs2545426334, ClinGen allele CA2576160451.
Genomic context (GRCh38, chr17:8,014,956, plus strand): 5'-GAGCCCGAGTACTTTGAGCAAGTGACACTGTACTTTAGTGACATTGTGGGCTTCACCACC[ATC>A]TCTGCCATGAGTGAGCCCATTGAGGTTGTGGACCTGCTCAACGATCTCTACACACTCTTT-3'